The following is an entry in ClinVar:

NM_014251.3(SLC25A13):c.819dup (p.Gln274fs)

Gene: SLC25A13 (solute carrier family 25 member 13; minus strand). Cytogenetic location: 7q21.3.
Variant type: Duplication.
Coding change: c.819dup on transcript NM_014251.3 (MANE Select); coding-DNA position 819, one base duplicated (T; older notation c.819dupT).
Protein change: p.Gln274fs; shifts the reading frame from glutamine 274.
Molecular consequence: frameshift variant. On other transcripts: non-coding transcript variant (1).
Genome position (GRCh38, 1-based): chr7:96,189,610, A duplicated on the plus strand (T on the coding strand, the reverse complement: SLC25A13 is on the minus strand); the first of 3 consecutive A bases (chr7:96,189,610-96,189,612); duplicating any one gives the same sequence. VCF-style (leftmost placement, unchanged base first): chr7-96189609-G-GA. GRCh37 (hg19) VCF-style: chr7-95818921-G-GA.
Other names: c.819dup, p.Gln274fs (NM_001160210.2); short protein forms Q274fs.
Identifiers: ClinVar variation 4815644 (VCV004815644.1).

ClinVar aggregate classification (germline): Likely pathogenic (1 of 4 stars; one submission).

Conditions:
Citrullinemia. Identifiers: Orphanet 187, MedGen C0175683, MONDO:0015991.

Submission:

Natera, Inc.
Classification: Likely pathogenic for Citrullinemia. Last evaluated: 2024-10-28. Review status: criteria provided, single submitter. Criteria: Natera Variant Classification Schema (03/2026). Collection method: clinical testing. Allele origin: germline.
Comment: The c.819dup variant in SLC25A13 is a frameshift variant predicted to shift the reading frame beginning at codon 274 and leads to a stop codon 7 codons downstream. This variant is expected to result in nonsense mediated decay, truncation, or a dysfunctional protein product. This variant is rare in the general population with a frequency below the threshold expected for the associated phenotype(s). Given the available evidence, this variant is classified as Likely Pathogenic.